The following is an entry in ClinVar:

NM_004990.4(MARS1):c.766C>T (p.Pro256Ser)

Gene: MARS1 (methionyl-tRNA synthetase 1; plus strand). Cytogenetic location: 12q13.3.
Variant type: single nucleotide variant.
Coding change: c.766C>T on transcript NM_004990.4 (MANE Select); coding-DNA position 766, C replaced by T.
Protein change: p.Pro256Ser; replaces proline 256 with serine.
Molecular consequence: missense variant.
Genome position (GRCh38, 1-based): chr12:57,490,640, C>T. VCF-style: chr12-57490640-C-T. GRCh37 (hg19) VCF-style: chr12-57884423-C-T.
Other names: short protein forms P256S.
Identifiers: ClinVar variation 3748229 (VCV003748229.2).
Genomic context (GRCh38, chr12:57,490,640, plus strand): 5'-GCTGTTACTGCTTGGGAGAAGGGCCTAGAAAGTTTGCCCCCGCTGCGGCCCCAGCAGAAT[C>T]CAGTGTGAGTAGACATGGCACATGTGAGTGGGGCTTGATTTTGTAGTGGAAATTGTTGAT-3'
Protein context (NP_004981.2, residues 246-266): SLPPLRPQQN[Pro256Ser]VLPVAGERNV

ClinVar aggregate classification (germline): Uncertain significance (1 of 4 stars; one submission).

Conditions:
Charcot-Marie-Tooth disease axonal type 2U. Also called: CHARCOT-MARIE-TOOTH NEUROPATHY, TYPE 2U; CHARCOT-MARIE-TOOTH DISEASE, AXONAL, AUTOSOMAL DOMINANT, TYPE 2U. Identifiers: Orphanet 397735, MedGen C4084821, MONDO:0014566, OMIM 616280.
Severe early-onset pulmonary alveolar proteinosis due to MARS deficiency. Also called: PULMONARY ALVEOLAR PROTEINOSIS, REUNION ISLAND; Interstitial lung and liver disease. Identifiers: Orphanet 440427, MedGen C4225400, MONDO:0014206, OMIM 615486.

gnomAD v4.1: 8 of 1,613,870 alleles (0.0005%); highest among the groups gnomAD compares: Non-Finnish European, 0.00068%; no homozygotes.

Submission:

Labcorp Genetics (formerly Invitae), Labcorp
Classification: Uncertain significance for Charcot-Marie-Tooth disease axonal type 2U; Severe early-onset pulmonary alveolar proteinosis due to MARS deficiency. Last evaluated: 2024-05-15. Review status: criteria provided, single submitter. Criteria: Invitae Variant Classification Sherloc (09022015). Collection method: clinical testing. Allele origin: germline.
Comment: This sequence change replaces proline, which is neutral and non-polar, with serine, which is neutral and polar, at codon 256 of the MARS protein (p.Pro256Ser). This variant is present in population databases (rs755629531, gnomAD 0.003%). This variant has not been reported in the literature in individuals affected with MARS-related conditions. An algorithm developed to predict the effect of missense changes on protein structure and function (PolyPhen-2) suggests that this variant is likely to be tolerated. In summary, the available evidence is currently insufficient to determine the role of this variant in disease. Therefore, it has been classified as a Variant of Uncertain Significance.